The following is an entry in ClinVar:

ClinVar aggregate classification (germline): Likely pathogenic (1 of 4 stars; one submission).

Conditions:
Cortical dysplasia-focal epilepsy syndrome (PTHSL1). Also called: Pitt-Hopkins-like syndrome 1. Identifiers: Orphanet 163681, Orphanet 221150, MedGen C2750246, MONDO:0012400, OMIM 610042.

Submission:

Labcorp Genetics (formerly Invitae), Labcorp
Classification: Likely pathogenic for Cortical dysplasia-focal epilepsy syndrome. Last evaluated: 2023-08-17. Review status: criteria provided, single submitter. Criteria: Invitae Variant Classification Sherloc (09022015). Collection method: clinical testing. Allele origin: germline.
Comment: This variant is not present in population databases (gnomAD no frequency). This sequence change affects a donor splice site in intron 2 of the CNTNAP2 gene. It is expected to disrupt RNA splicing. Variants that disrupt the donor or acceptor splice site typically lead to a loss of protein function (PMID: 16199547), and loss-of-function variants in CNTNAP2 are known to be pathogenic (PMID: 19896112, 21827697, 25045150, 26843181, 27439707). In summary, the currently available evidence indicates that the variant is pathogenic, but additional data are needed to prove that conclusively. Therefore, this variant has been classified as Likely Pathogenic. Algorithms developed to predict the effect of sequence changes on RNA splicing suggest that this variant may disrupt the consensus splice site. This variant has not been reported in the literature in individuals affected with CNTNAP2-related conditions.

Literature cited by the submitters: PubMed 16199547; PubMed 19896112; PubMed 21827697; PubMed 25045150; PubMed 26843181; PubMed 27439707.

NM_014141.6(CNTNAP2):c.208+1G>A

Gene: CNTNAP2 (contactin associated protein 2; plus strand). Cytogenetic location: 7q35.
Variant type: single nucleotide variant.
Coding change: c.208+1G>A on transcript NM_014141.6 (MANE Select); the canonical splice donor site of the intron after coding-DNA position 208, G replaced by A.
Molecular consequence: splice donor variant.
Genome position (GRCh38, 1-based): chr7:146,774,382, G>A. VCF-style: chr7-146774382-G-A. GRCh37 (hg19) VCF-style: chr7-146471474-G-A.
Identifiers: ClinVar variation 2753253 (VCV002753253.3), dbSNP rs2485547571, ClinGen allele CA369922447.